The following is an entry in ClinVar:

NM_005222.4(DLX6):c.129A>G (p.Gln43=)

Genes: DLX6 (distal-less homeobox 6; plus strand), DLX6-AS1 (DLX6 antisense RNA 1; minus strand). Cytogenetic location: 7q21.3.
Variant type: single nucleotide variant.
Coding change: c.129A>G on transcript NM_005222.4 (MANE Select); coding-DNA position 129, A replaced by G.
Protein change: p.Gln43=; no amino-acid change (glutamine 43 retained).
Molecular consequence: synonymous variant.
Genome position (GRCh38, 1-based): chr7:97,006,106, A>G. VCF-style: chr7-97006106-A-G. GRCh37 (hg19) VCF-style: chr7-96635418-A-G.
Identifiers: ClinVar variation 2657694 (VCV002657694.24), dbSNP rs561901156, ClinGen allele CA4353715.

ClinVar aggregate classification (germline): Likely benign (1 of 4 stars; one submission).

Allele frequency attached by ClinVar (database versions not stated): gnomAD 0.00004; gnomAD exomes 0.00004; ExAC 0.00023; 1000 Genomes Project 0.00120.

Submission:

CeGaT Center for Human Genetics Tuebingen
Classification: Likely benign. Last evaluated: 2024-07-01. Review status: criteria provided, single submitter. Criteria: CeGaT Center For Human Genetics Tuebingen Variant Classification Criteria Version 2. Collection method: clinical testing. Allele origin: germline. Affected: yes. Observed: 2 variant alleles.
Comment: DLX6: BP4, BP7